The following is an entry in ClinVar:

NM_001382567.1(STIM1):c.344_345inv (p.Ile115Arg)

Gene: STIM1 (stromal interaction molecule 1; plus strand). Cytogenetic location: 11p15.4.
Variant type: Inversion.
Coding change: c.344_345inv on transcript NM_001382567.1 (MANE Select).
Protein change: p.Ile115Arg; replaces isoleucine 115 with arginine.
Molecular consequence: missense variant. On other transcripts: 5 prime UTR variant (3), non-coding transcript variant (3).
Genome position: GRCh38 VCF-style: chr11-4023946-TC-GA. GRCh37 (hg19) VCF-style: chr11-4045176-TC-GA.
Other names: c.344_345inv, p.Ile115Arg (NM_001277961.3, NM_001277962.2, NM_001382568.1 and 3 more transcripts); c.122_123inv, p.Ile41Arg (NM_001382566.1, NM_001382573.1, NM_001382574.1 and 5 more transcripts); c.209_210inv, p.Ile70Arg (NM_001382569.1); c.-25_-24inv (NM_001382571.1); c.-146_-145inv (NM_001382580.1, NM_001382581.1); short protein forms I115R, I70R, I41R.
Identifiers: ClinVar variation 4784777 (VCV004784777.1).

ClinVar aggregate classification (germline): Uncertain significance (1 of 4 stars; one submission).

Conditions:
Combined immunodeficiency due to STIM1 deficiency. Also called: IMMUNODEFICIENCY 10; STIM1 DEFICIENCY. Identifiers: Orphanet 169090, Orphanet 317430, MedGen C2748557, MONDO:0013008, OMIM 612783.
Stormorken syndrome (STRMK). Also called: THROMBOCYTOPATHY, ASPLENIA, AND MIOSIS. Identifiers: Orphanet 3204, MedGen C1861451, MONDO:0008497, OMIM 185070.
Myopathy with tubular aggregates (TAM). Also called: Tubular Aggregate Myopathy. Identifiers: Orphanet 2593, MedGen C0410207, MONDO:0008051.

Submission:

Labcorp Genetics (formerly Invitae), Labcorp
Classification: Uncertain significance for Myopathy with tubular aggregates; Combined immunodeficiency due to STIM1 deficiency; Stormorken syndrome. Last evaluated: 2025-08-20. Review status: criteria provided, single submitter. Criteria: Invitae Variant Classification Sherloc (09022015). Collection method: clinical testing. Allele origin: germline.
Comment: This sequence change replaces isoleucine, which is neutral and non-polar, with arginine, which is basic and polar, at codon 115 of the STIM1 protein (p.Ile115Arg). Information on the frequency of this variant in the gnomAD database is not available, as this variant may be reported differently in the database. This variant has not been reported in the literature in individuals affected with STIM1-related conditions. An algorithm developed to predict the effect of missense changes on protein structure and function (PolyPhen-2) suggests that this variant is likely to be disruptive. This variant disrupts the p.Ile115 amino acid residue in STIM1. Other variant(s) that disrupt this residue have been determined to be pathogenic (PMID: 24570283, 25577287). This suggests that this residue is clinically significant, and that variants that disrupt this residue are likely to be disease-causing. In summary, the available evidence is currently insufficient to determine the role of this variant in disease. Therefore, it has been classified as a Variant of Uncertain Significance.

Literature cited by the submitters: PubMed 24570283; PubMed 25577287.